The following is an entry in ClinVar:

NM_023036.6(DNAI2):c.409G>A (p.Glu137Lys)

Gene: DNAI2 (dynein axonemal intermediate chain 2; plus strand). Cytogenetic location: 17q25.1.
Variant type: single nucleotide variant.
Coding change: c.409G>A on transcript NM_023036.6 (MANE Select); coding-DNA position 409, G replaced by A.
Protein change: p.Glu137Lys; replaces glutamic acid 137 with lysine.
Molecular consequence: missense variant.
Genome position (GRCh38, 1-based): chr17:74,287,040, G>A. VCF-style: chr17-74287040-G-A. GRCh37 (hg19) VCF-style: chr17-72283179-G-A.
Other names: c.409G>A, p.Glu137Lys (NM_001172810.3, NM_001353167.2); c.409G>A (NM_023036.4); short protein forms E137K.
Identifiers: ClinVar variation 1062348 (VCV001062348.7), dbSNP rs112650114, ClinGen allele CA8745352.

ClinVar aggregate classification (germline): Uncertain significance. Review status: criteria provided, multiple submitters, no conflicts (2 of 4 stars). 3 submissions from 3 submitters: Uncertain significance (2). 1 of the submissions does not count toward it. Last evaluated 2023-10-30.

Conditions:
Primary ciliary dyskinesia. Also called: Ciliary dyskinesia. Identifiers: Orphanet 244, MedGen C0008780, MONDO:0016575, HP:0012265.

Allele frequency attached by ClinVar (database versions not stated): ExAC 0.00001; gnomAD 0.00002; TOPMed 0.00004.

Submissions (3):

Ambry Genetics
Classification: Uncertain significance for Primary ciliary dyskinesia. Last evaluated: 2023-10-30. Review status: criteria provided, single submitter. Criteria: Ambry Variant Classification Scheme 2023. Collection method: clinical testing. Allele origin: germline.

Labcorp Genetics (formerly Invitae), Labcorp
Classification: Uncertain significance for Primary ciliary dyskinesia. Last evaluated: 2022-02-08. Review status: criteria provided, single submitter. Criteria: Invitae Variant Classification Sherloc (09022015). Collection method: clinical testing. Allele origin: germline.
Comment: This sequence change replaces glutamic acid, which is acidic and polar, with lysine, which is basic and polar, at codon 137 of the DNAI2 protein (p.Glu137Lys). This variant is present in population databases (rs112650114, gnomAD 0.006%). This variant has not been reported in the literature in individuals affected with DNAI2-related conditions. ClinVar contains an entry for this variant (Variation ID: 1062348). Algorithms developed to predict the effect of missense changes on protein structure and function (SIFT, PolyPhen-2, Align-GVGD) all suggest that this variant is likely to be tolerated. In summary, the available evidence is currently insufficient to determine the role of this variant in disease. Therefore, it has been classified as a Variant of Uncertain Significance.

Natera, Inc.
Classification: Uncertain significance for Primary ciliary dyskinesia. Last evaluated: 2020-01-24. Review status: no assertion criteria provided. Collection method: clinical testing. Allele origin: germline. Not counted in ClinVar's aggregate classification.